The following is an entry in ClinVar:

NM_001009999.3(KDM1A):c.1734+4A>G

Gene: KDM1A (lysine demethylase 1A; plus strand). Cytogenetic location: 1p36.12.
Variant type: single nucleotide variant.
Coding change: c.1734+4A>G on transcript NM_001009999.3 (MANE Select); 4 bases into the intron after coding-DNA position 1734, A replaced by G.
Molecular consequence: intron variant.
Genome position (GRCh38, 1-based): chr1:23,073,407, A>G. VCF-style: chr1-23073407-A-G. GRCh37 (hg19) VCF-style: chr1-23399900-A-G.
Other names: c.1680+4A>G (NM_001363654.2); c.1662+4A>G (NM_015013.4).
Identifiers: ClinVar variation 2075194 (VCV002075194.31), dbSNP rs376265325, ClinGen allele CA679799.
Genomic context (GRCh38, chr1:23,073,407, plus strand): 5'-CTTGAATTTGCTAATGCCACACCTCTCTCAACTCTCTCCCTTAAGCACTGGGATCAGGTA[A>G]GTTTCCCTTATTGTTTATTTTATTGCACATGCCTTTGAGAGGGATTGTAAGAGAAATAGT-3'

ClinVar aggregate classification (germline): Conflicting classifications of pathogenicity. Review status: criteria provided, conflicting classifications (1 of 4 stars). 5 submissions from 5 submitters: Uncertain significance (1); Likely benign (3). 1 of the submissions does not count toward it. Last evaluated 2026-01-17.

Conditions:
KDM1A-related disorder. Also called: KDM1A-related condition.
Inborn genetic diseases. Identifiers: MedGen C0950123, MeSH D030342.

Allele frequency attached by ClinVar (database versions not stated): gnomAD 0.00007.
gnomAD v4.1: 80 of 1,487,758 alleles (0.0054%); highest among the groups gnomAD compares: East Asian, 0.032%; no homozygotes.

Submissions (5):

Labcorp Genetics (formerly Invitae), Labcorp
Classification: Uncertain significance. Last evaluated: 2026-01-17. Review status: criteria provided, single submitter. Criteria: Invitae Variant Classification Sherloc (09022015). Collection method: clinical testing. Allele origin: germline.
Comment: This sequence change falls in intron 15 of the KDM1A gene. It does not directly change the encoded amino acid sequence of the KDM1A protein. It affects a nucleotide within the consensus splice site. This variant is present in population databases (rs376265325, gnomAD 0.06%), and has an allele count higher than expected for a pathogenic variant. This variant has not been reported in the literature in individuals affected with KDM1A-related conditions. ClinVar contains an entry for this variant (Variation ID: 2075194). Variants that disrupt the consensus splice site are a relatively common cause of aberrant splicing (PMID: 17576681, 9536098). Algorithms developed to predict the effect of sequence changes on RNA splicing suggest that this variant is not likely to affect RNA splicing. In summary, the available evidence is currently insufficient to determine the role of this variant in disease. Therefore, it has been classified as a Variant of Uncertain Significance.

Blueprint Genetics
Classification: Likely benign. Last evaluated: 2024-11-06. Review status: criteria provided, single submitter. Criteria: ACMG Guidelines, 2015. Collection method: clinical testing. Allele origin: germline.

CeGaT Center for Human Genetics Tuebingen
Classification: Likely benign. Last evaluated: 2022-10-01. Review status: criteria provided, single submitter. Criteria: CeGaT Center For Human Genetics Tuebingen Variant Classification Criteria Version 2. Collection method: clinical testing. Allele origin: germline. Affected: yes. Observed: 1 variant allele.
Comment: KDM1A: BP4

Ambry Genetics
Classification: Likely benign for Inborn genetic diseases. Last evaluated: 2021-08-20. Review status: criteria provided, single submitter. Criteria: Ambry Variant Classification Scheme 2023. Collection method: clinical testing. Allele origin: germline.

PreventionGenetics, part of Exact Sciences
Classification: Likely benign for KDM1A-related condition. Last evaluated: 2022-03-16. Review status: no assertion criteria provided. Collection method: clinical testing. Allele origin: germline. Not counted in ClinVar's aggregate classification.
Comment: This variant is classified as likely benign based on ACMG/AMP sequence variant interpretation guidelines (Richards et al. 2015 PMID: 25741868, with internal and published modifications).

Literature cited by the submitters: PubMed 17576681 (cited by Labcorp Genetics (formerly Invitae), Labcorp); PubMed 9536098 (cited by Labcorp Genetics (formerly Invitae), Labcorp).